The following is an entry in ClinVar:

ClinVar aggregate classification (germline): Uncertain significance. Review status: criteria provided, multiple submitters, no conflicts (2 of 4 stars). 4 submissions from 4 submitters: Uncertain significance (4). Last evaluated 2024-11-22.

Conditions:
Xeroderma pigmentosum, group F (XPF). Also called: XERODERMA PIGMENTOSUM, COMPLEMENTATION GROUP F; XERODERMA PIGMENTOSUM VI; XP, GROUP F; ERCC4-Related Xeroderma Pigmentosum; XERODERMA PIGMENTOSUM, TYPE F; Xeroderma pigmentosum, type 6. Identifiers: MedGen C0268140, MONDO:0010215, OMIM 278760.
XFE progeroid syndrome (XFEPS). Also called: XPF-ERCC1 PROGEROID SYNDROME. Identifiers: MedGen C1970416, MONDO:0012590, OMIM 610965.
Fanconi anemia complementation group Q. Identifiers: Orphanet 84, MedGen C3808988, MONDO:0014108, OMIM 615272.
Cockayne syndrome. Identifiers: Orphanet 191, MedGen C0009207, MONDO:0016006.

Allele frequency attached by ClinVar (database versions not stated): ExAC 0.00004; gnomAD exomes 0.00004 and 0.00009; TOPMed 0.00007; ESP Exome Variant Server 0.00008; gnomAD 0.00009.
gnomAD v4.1: 140 of 1,614,006 alleles (0.0087%); highest among the groups gnomAD compares: Admixed American, 0.012%; no homozygotes.

Submissions (4):

Labcorp Genetics (formerly Invitae), Labcorp
Classification: Uncertain significance for Fanconi anemia complementation group Q; Xeroderma pigmentosum, group F; Cockayne syndrome. Last evaluated: 2024-11-22. Review status: criteria provided, single submitter. Criteria: Invitae Variant Classification Sherloc (09022015). Collection method: clinical testing. Allele origin: germline.
Comment: This sequence change replaces glycine, which is neutral and non-polar, with aspartic acid, which is acidic and polar, at codon 559 of the ERCC4 protein (p.Gly559Asp). This variant is present in population databases (rs370896187, gnomAD 0.009%). This variant has not been reported in the literature in individuals affected with ERCC4-related conditions. ClinVar contains an entry for this variant (Variation ID: 317815). Invitae Evidence Modeling of protein sequence and biophysical properties (such as structural, functional, and spatial information, amino acid conservation, physicochemical variation, residue mobility, and thermodynamic stability) indicates that this missense variant is not expected to disrupt ERCC4 protein function with a negative predictive value of 80%. In summary, the available evidence is currently insufficient to determine the role of this variant in disease. Therefore, it has been classified as a Variant of Uncertain Significance.

Fulgent Genetics
Classification: Uncertain significance for Xeroderma pigmentosum, group F; XFE progeroid syndrome; Fanconi anemia complementation group Q. Last evaluated: 2023-12-28. Review status: criteria provided, single submitter. Criteria: ACMG Guidelines, 2015. Collection method: clinical testing. Allele origin: germline.

St. Jude Molecular Pathology, St. Jude Children's Research Hospital
Classification: Uncertain significance for Xeroderma pigmentosum, group F. Last evaluated: 2021-11-11. Review status: criteria provided, single submitter. Criteria: St. Jude Assertion Criteria 2020. Collection method: clinical testing. Allele origin: germline.
Comment: The ERCC4 c.1676G>A (p.Gly559Asp) missense change has a maximum subpopulation frequency of 0.0085% in gnomAD v2.1.1. In silico tools are not in agreement about the effect of this variant on protein function, but to our knowledge these predictions have not been confirmed by functional assays. This variant has been reported in an individual with B-cell acute lymphoblastic leukemia (PMID: 26580448). To our knowledge, this variant has not been reported in individuals with Fanconi anemia or Xeroderma pigmentosum. In summary, this variant meets criteria to be classified as of uncertain significance based on the ACMG/AMP criteria: no criteria met.

Illumina Laboratory Services, Illumina
Classification: Uncertain significance for Xeroderma pigmentosum, group F. Last evaluated: 2018-01-12. Review status: criteria provided, single submitter. Criteria: ICSL Variant Classification Criteria 13 December 2019. Collection method: clinical testing. Allele origin: germline.

NM_005236.3(ERCC4):c.1676G>A (p.Gly559Asp)

Gene: ERCC4 (ERCC excision repair 4, endonuclease catalytic subunit; plus strand). Cytogenetic location: 16p13.12.
Variant type: single nucleotide variant.
Coding change: c.1676G>A on transcript NM_005236.3 (MANE Select); coding-DNA position 1676, G replaced by A.
Protein change: p.Gly559Asp; replaces glycine 559 with aspartic acid.
Molecular consequence: missense variant.
Genome position (GRCh38, 1-based): chr16:13,935,608, G>A. VCF-style: chr16-13935608-G-A. GRCh37 (hg19) VCF-style: chr16-14029465-G-A.
Other names: short protein forms G559D.
Identifiers: ClinVar variation 317815 (VCV000317815.18), dbSNP rs370896187, ClinGen allele CA7910510.
Genomic context (GRCh38, chr16:13,935,608, plus strand): 5'-CATCGGATGCTGCTTTCGGAATCCTGAAAGAACCCCTCACTATCATCCATCCGCTTCTGG[G>A]TTGCAGCGACCCCTATGCTCTGACAAGGGTACTACATGAAGTGGAGCCAAGATACGTGGT-3'
Protein context (NP_005227.1, residues 549-569): EPLTIIHPLL[Gly559Asp]CSDPYALTRV